The following is an entry in ClinVar:

ClinVar aggregate classification (germline): Likely pathogenic (1 of 4 stars; one submission).

Conditions:
Nemaline myopathy 2 (NEM2). Also called: Nemaline myopathy 2, autosomal recessive. Identifiers: MedGen C1850569, MONDO:0009725, OMIM 256030.

Submission:

Natera, Inc.
Classification: Likely pathogenic for Nemaline myopathy type 2. Last evaluated: 2024-10-22. Review status: criteria provided, single submitter. Criteria: Natera Variant Classification Schema (03/2026). Collection method: clinical testing. Allele origin: germline.
Comment: The c.4869_4872del variant in NEB is a frameshift variant predicted to shift the reading frame beginning at codon 1624 and leads to a stop codon 10 codons downstream. This variant is expected to result in nonsense mediated decay, truncation, or a dysfunctional protein product. This variant is rare in the general population with a frequency below the threshold expected for the associated phenotype(s). Given the available evidence, this variant is classified as Likely Pathogenic.

NM_001164508.2(NEB):c.4869_4872del (p.Lys1624fs)

Gene: NEB (nebulin; minus strand). Cytogenetic location: 2q23.3.
Variant type: Deletion.
Coding change: c.4869_4872del on transcript NM_001164508.2 (MANE Select); coding-DNA positions 4869 to 4872, 4 bases deleted (CAAG; older notation c.4869_4872delCAAG).
Protein change: p.Lys1624fs; shifts the reading frame from lysine 1624.
Molecular consequence: frameshift variant.
Genome position (GRCh38, 1-based): chr2:151,666,249-151,666,252, CTTG deleted on the plus strand (CAAG on the coding strand, the reverse complement: NEB is on the minus strand). VCF-style (leftmost placement, unchanged base first): chr2-151666248-ACTTG-A. GRCh37 (hg19) VCF-style: chr2-152522762-ACTTG-A.
Other names: c.4869_4872del, p.Lys1624fs (NM_001164507.2, NM_001271208.2, NM_004543.5); c.4869_4872delCAAG, p.Lys1624Thrfs (NM_001271208.1); short protein forms K1624fs.
Identifiers: ClinVar variation 4814776 (VCV004814776.1).